The following is an entry in ClinVar:

NM_015346.4(ZFYVE26):c.4540A>T (p.Lys1514Ter)

Gene: ZFYVE26 (zinc finger FYVE-type containing 26; minus strand). Cytogenetic location: 14q24.1.
Variant type: single nucleotide variant.
Coding change: c.4540A>T on transcript NM_015346.4 (MANE Select); coding-DNA position 4540, A replaced by T.
Protein change: p.Lys1514Ter; replaces lysine 1514 with a stop codon.
Molecular consequence: nonsense.
Genome position (GRCh38, 1-based): chr14:67,781,362, T>A on the plus strand (A>T on the coding strand, the complement: ZFYVE26 is on the minus strand). VCF-style: chr14-67781362-T-A. GRCh37 (hg19) VCF-style: chr14-68248079-T-A.
Other names: short protein forms K1514*.
Identifiers: ClinVar variation 1724477 (VCV001724477.2), dbSNP rs2502800676, ClinGen allele CA390169587.

ClinVar aggregate classification (germline): Likely pathogenic (1 of 4 stars; one submission).

Conditions:
Hereditary spastic paraplegia 15 (SPG15). Also called: SPASTIC PARAPLEGIA 15, AUTOSOMAL RECESSIVE; KJELLIN SYNDROME; SPASTIC PARAPLEGIA AND RETINAL DEGENERATION. Identifiers: Orphanet 100996, MedGen C1849128, MONDO:0010044, OMIM 270700.

Submission:

Myriad Genetics, Inc.
Classification: Likely pathogenic for Hereditary spastic paraplegia 15. Last evaluated: 2022-02-17. Review status: criteria provided, single submitter. Criteria: Myriad Women's Health Autosomal Recessive and X-Linked Classification Criteria (2021). Collection method: clinical testing. Allele origin: unknown.
Comment: NM_015346.3(ZFYVE26):c.4540A>T(K1514*) is expected to be pathogenic in the context of spastic paraplegia type 15. This variant is predicted to lead to an abnormal or absent protein product due to the creation of a premature termination codon in ZFYVE26, a gene where loss-of-function variants are known to be pathogenic. Please note: this variant was assessed in the context of healthy population screening.